The following is an entry in ClinVar:

ClinVar aggregate classification (germline): Uncertain significance. Review status: criteria provided, multiple submitters, no conflicts (2 of 4 stars). 3 submissions from 3 submitters: Uncertain significance (3). Last evaluated 2024-12-20.

Conditions:
Sessile serrated polyposis cancer syndrome (SSPCS). Identifiers: Orphanet 157798, MedGen C4310714, MONDO:0014919, OMIM 617108.

Allele frequency attached by ClinVar (database versions not stated): TOPMed below 0.00001; gnomAD 0.00001; gnomAD exomes 0.00001.
gnomAD v4.1: 10 of 1,601,292 alleles (0.00062%); highest among the groups gnomAD compares: South Asian, 0.0056%; no homozygotes.

Submissions (3):

Ambry Genetics
Classification: Uncertain significance. Last evaluated: 2024-12-20. Review status: criteria provided, single submitter. Criteria: Ambry Variant Classification Scheme 2023. Collection method: clinical testing. Allele origin: germline.
Comment: The p.R223H variant (also known as c.668G>A), located in coding exon 5 of the RNF43 gene, results from a G to A substitution at nucleotide position 668. The arginine at codon 223 is replaced by histidine, an amino acid with highly similar properties. This amino acid position is conserved. In addition, this alteration is predicted to be tolerated by in silico analysis. Based on the available evidence, the clinical significance of this variant remains unclear.

Baylor Genetics
Classification: Uncertain significance for Sessile serrated polyposis cancer syndrome. Last evaluated: 2024-01-22. Review status: criteria provided, single submitter. Criteria: ACMG Guidelines, 2015. Collection method: clinical testing. Allele origin: unknown.

Labcorp Genetics (formerly Invitae), Labcorp
Classification: Uncertain significance. Last evaluated: 2022-05-07. Review status: criteria provided, single submitter. Criteria: Invitae Variant Classification Sherloc (09022015). Collection method: clinical testing. Allele origin: germline.
Comment: In summary, the available evidence is currently insufficient to determine the role of this variant in disease. Therefore, it has been classified as a Variant of Uncertain Significance. Algorithms developed to predict the effect of missense changes on protein structure and function are either unavailable or do not agree on the potential impact of this missense change (SIFT: "Deleterious"; PolyPhen-2: "Benign"; Align-GVGD: "Class C0"). This variant has not been reported in the literature in individuals affected with RNF43-related conditions. The frequency data for this variant in the population databases is considered unreliable, as metrics indicate poor data quality at this position in the gnomAD database. This sequence change replaces arginine, which is basic and polar, with histidine, which is basic and polar, at codon 223 of the RNF43 protein (p.Arg223His).

NM_017763.6(RNF43):c.668G>A (p.Arg223His)

Gene: RNF43 (ring finger protein 43; minus strand). Cytogenetic location: 17q22.
Variant type: single nucleotide variant.
Coding change: c.668G>A on transcript NM_017763.6 (MANE Select); coding-DNA position 668, G replaced by A.
Protein change: p.Arg223His; replaces arginine 223 with histidine.
Molecular consequence: missense variant.
Genome position (GRCh38, 1-based): chr17:58,362,563, C>T on the plus strand (G>A on the coding strand, the complement: RNF43 is on the minus strand). VCF-style: chr17-58362563-C-T. GRCh37 (hg19) VCF-style: chr17-56439924-C-T.
Other names: c.668G>A, p.Arg223His (NM_001305544.3); c.287G>A, p.Arg96His (NM_001305545.2); short protein forms R96H, R223H.
Identifiers: ClinVar variation 2171591 (VCV002171591.8), dbSNP rs780231969, ClinGen allele CA8673352.